The following is an entry in ClinVar:

NM_012301.4(MAGI2):c.4123T>C (p.Ser1375Pro)

Genes: MAGI2 (membrane associated guanylate kinase, WW and PDZ domain containing 2; minus strand), LOC129998720 (ATAC-STARR-seq lymphoblastoid silent region 18332; plus strand). Cytogenetic location: 7q21.11.
Variant type: single nucleotide variant.
Coding change: c.4123T>C on transcript NM_012301.4 (MANE Select); coding-DNA position 4123, T replaced by C.
Protein change: p.Ser1375Pro; replaces serine 1375 with proline.
Molecular consequence: missense variant.
Genome position (GRCh38, 1-based): chr7:78,019,560, A>G on the plus strand (T>C on the coding strand, the complement: MAGI2 is on the minus strand). VCF-style: chr7-78019560-A-G. GRCh37 (hg19) VCF-style: chr7-77648877-A-G.
Other names: c.4081T>C, p.Ser1361Pro (NM_001301128.2); short protein forms S1361P, S1375P.
Identifiers: ClinVar variation 2103958 (VCV002103958.4), dbSNP rs1808098086, ClinGen allele CA367845190.

ClinVar aggregate classification (germline): Uncertain significance (1 of 4 stars; one submission).

Submission:

Labcorp Genetics (formerly Invitae), Labcorp
Classification: Uncertain significance. Last evaluated: 2022-03-19. Review status: criteria provided, single submitter. Criteria: Invitae Variant Classification Sherloc (09022015). Collection method: clinical testing. Allele origin: germline.
Comment: This variant has not been reported in the literature in individuals affected with MAGI2-related conditions. The frequency data for this variant in the population databases is considered unreliable, as metrics indicate insufficient coverage at this position in the gnomAD database. This sequence change replaces serine, which is neutral and polar, with proline, which is neutral and non-polar, at codon 1375 of the MAGI2 protein (p.Ser1375Pro). In summary, the available evidence is currently insufficient to determine the role of this variant in disease. Therefore, it has been classified as a Variant of Uncertain Significance. Algorithms developed to predict the effect of missense changes on protein structure and function output the following: SIFT: "Tolerated"; PolyPhen-2: "Not Available"; Align-GVGD: "Class C0". The proline amino acid residue is found in multiple mammalian species, which suggests that this missense change does not adversely affect protein function.